The following is an entry in ClinVar:

ClinVar aggregate classification (germline): Uncertain significance. Review status: criteria provided, multiple submitters, no conflicts (2 of 4 stars). 3 submissions from 3 submitters: Uncertain significance (3). Last evaluated 2025-09-22.

Conditions:
Developmental delay, hypotonia, musculoskeletal defects, and behavioral abnormalities. Identifiers: MedGen C5562012, MONDO:0859202, OMIM 619595.
Floating-Harbor syndrome (FLHS). Also called: Short stature with delayed bone age, expressive language delay, a triangular face with a prominent nose and deep-set eyes; Pelletier-Leisti syndrome; SRCAP-Related Floating-Harbor Syndrome. Identifiers: Orphanet 2044, MedGen C0729582, MONDO:0007621, OMIM 136140.

Allele frequency attached by ClinVar (database versions not stated): gnomAD exomes below 0.00001; ExAC 0.00001; gnomAD 0.00001; TOPMed 0.00001.
gnomAD v4.1: 3 of 1,614,066 alleles (0.00019%); highest among the groups gnomAD compares: Non-Finnish European, 0.00025%; no homozygotes.

Submissions (3):

Labcorp Genetics (formerly Invitae), Labcorp
Classification: Uncertain significance. Last evaluated: 2025-09-22. Review status: criteria provided, single submitter. Criteria: Invitae Variant Classification Sherloc (09022015). Collection method: clinical testing. Allele origin: germline.
Comment: This sequence change replaces glutamic acid, which is acidic and polar, with valine, which is neutral and non-polar, at codon 407 of the SRCAP protein (p.Glu407Val). This variant is present in population databases (rs781392583, gnomAD 0.007%). This variant has not been reported in the literature in individuals affected with SRCAP-related conditions. ClinVar contains an entry for this variant (Variation ID: 598008). Invitae Evidence Modeling of protein sequence and biophysical properties (such as structural, functional, and spatial information, amino acid conservation, physicochemical variation, residue mobility, and thermodynamic stability) indicates that this missense variant is not expected to disrupt SRCAP protein function with a negative predictive value of 80%. In summary, the available evidence is currently insufficient to determine the role of this variant in disease. Therefore, it has been classified as a Variant of Uncertain Significance.

Fulgent Genetics
Classification: Uncertain significance for Floating-Harbor syndrome; Developmental delay, hypotonia, musculoskeletal defects, and behavioral abnormalities. Last evaluated: 2022-05-16. Review status: criteria provided, single submitter. Criteria: ACMG Guidelines, 2015. Collection method: clinical testing. Allele origin: unknown.

Eurofins Ntd Llc (ga)
Classification: Uncertain significance. Last evaluated: 2018-08-03. Review status: criteria provided, single submitter. Criteria: EGL ClinVar v180209 classification definitions. Collection method: clinical testing. Allele origin: germline. Observed: 2 variant alleles, 2 heterozygotes.

NM_006662.3(SRCAP):c.1220A>T (p.Glu407Val)

Gene: SRCAP (Snf2 related CREBBP activator protein; plus strand). Cytogenetic location: 16p11.2.
Variant type: single nucleotide variant.
Coding change: c.1220A>T on transcript NM_006662.3 (MANE Select); coding-DNA position 1220, A replaced by T.
Protein change: p.Glu407Val; replaces glutamic acid 407 with valine.
Molecular consequence: missense variant.
Genome position (GRCh38, 1-based): chr16:30,710,839, A>T. VCF-style: chr16-30710839-A-T. GRCh37 (hg19) VCF-style: chr16-30722160-A-T.
Other names: short protein forms E407V.
Identifiers: ClinVar variation 598008 (VCV000598008.7), dbSNP rs781392583, ClinGen allele CA8010906.